The following is an entry in ClinVar:

ClinVar aggregate classification (germline): Uncertain significance (1 of 4 stars; one submission).

Submission:

Labcorp Genetics (formerly Invitae), Labcorp
Classification: Uncertain significance. Last evaluated: 2024-07-23. Review status: criteria provided, single submitter. Criteria: Invitae Variant Classification Sherloc (09022015). Collection method: clinical testing. Allele origin: germline.
Comment: This sequence change replaces arginine, which is basic and polar, with serine, which is neutral and polar, at codon 583 of the SRP72 protein (p.Arg583Ser). This variant is not present in population databases (gnomAD no frequency). This variant has not been reported in the literature in individuals affected with SRP72-related conditions. Advanced modeling of protein sequence and biophysical properties (such as structural, functional, and spatial information, amino acid conservation, physicochemical variation, residue mobility, and thermodynamic stability) performed at Invitae indicates that this missense variant is expected to disrupt SRP72 protein function with a positive predictive value of 80%. In summary, the available evidence is currently insufficient to determine the role of this variant in disease. Therefore, it has been classified as a Variant of Uncertain Significance.

NM_006947.4(SRP72):c.1747C>A (p.Arg583Ser)

Gene: SRP72 (signal recognition particle 72; plus strand). Cytogenetic location: 4q12.
Variant type: single nucleotide variant.
Coding change: c.1747C>A on transcript NM_006947.4 (MANE Select); coding-DNA position 1747, C replaced by A.
Protein change: p.Arg583Ser; replaces arginine 583 with serine.
Molecular consequence: missense variant. On other transcripts: non-coding transcript variant (1).
Genome position (GRCh38, 1-based): chr4:56,500,604, C>A. VCF-style: chr4-56500604-C-A. GRCh37 (hg19) VCF-style: chr4-57366770-C-A.
Other names: c.1564C>A, p.Arg522Ser (NM_001267722.2); short protein forms R522S, R583S.
Identifiers: ClinVar variation 3660266 (VCV003660266.2).
Genomic context (GRCh38, chr4:56,500,604, plus strand): 5'-CCTAAGAATTATGACCCAAAAGTTACCCCAGATCCAGAAAGATGGCTGCCAATGCGAGAA[C>A]GTTCTTACTACCGGGGAAGAAAGAAGGGTAAAAAGAAGGATCAGATTGGAAAAGGGACCC-3'
Protein context (NP_008878.3, residues 573-593): DPERWLPMRE[Arg583Ser]SYYRGRKKGK